The following is an entry in ClinVar:

NM_020163.3(SEMA3G):c.1937G>C (p.Ser646Thr)

Gene: SEMA3G (semaphorin 3G; minus strand). Cytogenetic location: 3p21.1.
Variant type: single nucleotide variant.
Coding change: c.1937G>C on transcript NM_020163.3 (MANE Select); coding-DNA position 1937, G replaced by C.
Protein change: p.Ser646Thr; replaces serine 646 with threonine.
Molecular consequence: missense variant.
Genome position (GRCh38, 1-based): chr3:52,436,015, C>G on the plus strand (G>C on the coding strand, the complement: SEMA3G is on the minus strand). VCF-style: chr3-52436015-C-G. GRCh37 (hg19) VCF-style: chr3-52470031-C-G.
Other names: short protein forms S646T.
Identifiers: ClinVar variation 4989350 (VCV004989350.1).
Genomic context (GRCh38, chr3:52,436,015, plus strand): 5'-ACAGTCTGGGAGAAGCCATGCTCCAGAGTGGTGCAGGTGTAGGTGCCCGCATCGAAACGG[C>G]TAAGCCTGCGGAACAGCAGCCCCCGCTCCGTGTGCAAGACTCGCTCGTCCGTCTTCACCT-3'
Protein context (NP_064548.1, residues 636-656): TERGLLFRRL[Ser646Thr]RFDAGTYTCT

ClinVar aggregate classification (germline): Uncertain significance (1 of 4 stars; one submission).

Conditions:
SEMA3G-related disorder. Also called: SEMA3G-related condition.

gnomAD v4.1: 11 of 1,613,614 alleles (0.00068%); highest among the groups gnomAD compares: African/African-American, 0.013%; no homozygotes.

Submission:

PreventionGenetics, part of Exact Sciences
Classification: Uncertain significance for SEMA3G-related condition. Last evaluated: 2026-02-03. Review status: criteria provided, single submitter. Criteria: ACMG Guidelines, 2015. Collection method: clinical testing. Allele origin: germline.
Comment: The SEMA3G c.1937G>C variant is predicted to result in the amino acid substitution p.Ser646Thr. To our knowledge, this variant has not been reported in the literature. This variant is reported in 0.012% of alleles in individuals of African descent in gnomAD. At this time, the clinical significance of this variant is uncertain due to the absence of conclusive functional and genetic evidence.